The following is an entry in ClinVar:

ClinVar aggregate classification (germline): Uncertain significance (1 of 4 stars; one submission).

Conditions:
Primary familial hypertrophic cardiomyopathy (HCM). Identifiers: Orphanet 99739, MedGen C0949658, MeSH D024741, MONDO:0024573. Inheritance: Various modes of inheritance.

Submission:

Labcorp Genetics (formerly Invitae), Labcorp
Classification: Uncertain significance for Primary familial hypertrophic cardiomyopathy. Last evaluated: 2024-03-20. Review status: criteria provided, single submitter. Criteria: Invitae Variant Classification Sherloc (09022015). Collection method: clinical testing. Allele origin: germline.
Comment: This sequence change replaces isoleucine, which is neutral and non-polar, with valine, which is neutral and non-polar, at codon 188 of the ILK protein (p.Ile188Val). This variant is not present in population databases (gnomAD no frequency). This variant has not been reported in the literature in individuals affected with ILK-related conditions. An algorithm developed to predict the effect of missense changes on protein structure and function (PolyPhen-2) suggests that this variant is likely to be tolerated. In summary, the available evidence is currently insufficient to determine the role of this variant in disease. Therefore, it has been classified as a Variant of Uncertain Significance.

NM_004517.4(ILK):c.562A>G (p.Ile188Val)

Genes: ILK (integrin linked kinase; plus strand), TAF10 (TATA-box binding protein associated factor 10; minus strand). Cytogenetic location: 11p15.4.
Variant type: single nucleotide variant.
Coding change: c.562A>G on transcript NM_004517.4 (MANE Select); coding-DNA position 562, A replaced by G.
Protein change: p.Ile188Val; replaces isoleucine 188 with valine.
Molecular consequence: missense variant. On other transcripts: 3 prime UTR variant (1), intron variant (1).
Genome position (GRCh38, 1-based): chr11:6,609,100, A>G. VCF-style: chr11-6609100-A-G. GRCh37 (hg19) VCF-style: chr11-6630331-A-G.
Other names: c.562A>G, p.Ile188Val (NM_001014794.3, NM_001014795.3); c.160A>G, p.Ile54Val (NM_001278442.2); c.*1822T>C (NM_006284.4); c.435+133A>G (NM_001278441.2); short protein forms I188V, I54V.
Identifiers: ClinVar variation 3721068 (VCV003721068.2).